The following is an entry in ClinVar:

ClinVar aggregate classification (germline): Uncertain significance. Review status: criteria provided, multiple submitters, no conflicts (2 of 4 stars). 5 submissions from 5 submitters: Uncertain significance (5). Last evaluated 2026-04-17.

Conditions:
Inborn genetic diseases. Identifiers: MedGen C0950123, MeSH D030342.
COL9A3-related disorder. Also called: COL9A3-related condition.

Allele frequency attached by ClinVar (database versions not stated): gnomAD exomes 0.00003.
gnomAD v4.1: 88 of 1,545,164 alleles (0.0057%); highest among the groups gnomAD compares: Non-Finnish European, 0.0065%; no homozygotes.

Submissions (5):

PreventionGenetics, part of Exact Sciences
Classification: Uncertain significance for COL9A3-related condition. Last evaluated: 2026-04-17. Review status: criteria provided, single submitter. Criteria: ACMG Guidelines, 2015. Collection method: clinical testing. Allele origin: germline.
Comment: The COL9A3 c.86G>T variant is predicted to result in the amino acid substitution p.Gly29Val. To our knowledge, this variant has not been reported in the literature. This variant is reported in 0.0074% of alleles in individuals of European (Non-Finnish) descent in gnomAD. At this time, the clinical significance of this variant is uncertain due to the absence of conclusive functional and genetic evidence.

Labcorp Genetics (formerly Invitae), Labcorp
Classification: Uncertain significance. Last evaluated: 2026-01-12. Review status: criteria provided, single submitter. Criteria: Invitae Variant Classification Sherloc (09022015). Collection method: clinical testing. Allele origin: germline.
Comment: This sequence change replaces glycine, which is neutral and non-polar, with valine, which is neutral and non-polar, at codon 29 of the COL9A3 protein (p.Gly29Val). This variant is present in population databases (no rsID available, gnomAD 0.008%). This variant has not been reported in the literature in individuals affected with COL9A3-related conditions. ClinVar contains an entry for this variant (Variation ID: 1218322). Invitae Evidence Modeling of protein sequence and biophysical properties (such as structural, functional, and spatial information, amino acid conservation, physicochemical variation, residue mobility, and thermodynamic stability) indicates that this missense variant is expected to disrupt COL9A3 protein function with a positive predictive value of 95%. In summary, the available evidence is currently insufficient to determine the role of this variant in disease. Therefore, it has been classified as a Variant of Uncertain Significance.

GeneDx
Classification: Uncertain significance. Last evaluated: 2025-12-29. Review status: criteria provided, single submitter. Criteria: GeneDx Variant Classification Process June 2021. Collection method: clinical testing. Allele origin: germline. Affected: yes.
Comment: In silico analysis supports that this missense variant has a deleterious effect on protein structure/function; Not observed at significant frequency in large population cohorts (gnomAD); Has not been previously published as pathogenic or benign to our knowledge

Blueprint Genetics
Classification: Uncertain significance. Last evaluated: 2024-02-08. Review status: criteria provided, single submitter. Criteria: ACMG Guidelines, 2015. Collection method: clinical testing. Allele origin: germline.

Ambry Genetics
Classification: Uncertain significance for Inborn genetic diseases. Last evaluated: 2021-06-11. Review status: criteria provided, single submitter. Criteria: Ambry Variant Classification Scheme 2023. Collection method: clinical testing. Allele origin: germline.

NM_001853.4(COL9A3):c.86G>T (p.Gly29Val)

Gene: COL9A3 (collagen type IX alpha 3 chain; plus strand). Cytogenetic location: 20q13.33.
Variant type: single nucleotide variant.
Coding change: c.86G>T on transcript NM_001853.4 (MANE Select); coding-DNA position 86, G replaced by T.
Protein change: p.Gly29Val; replaces glycine 29 with valine.
Molecular consequence: missense variant.
Genome position (GRCh38, 1-based): chr20:62,817,574, G>T. VCF-style: chr20-62817574-G-T. GRCh37 (hg19) VCF-style: chr20-61448926-G-T.
Other names: short protein forms G29V.
Identifiers: ClinVar variation 1218322 (VCV001218322.13), dbSNP rs958612540, ClinGen allele CA317319362.
Genomic context (GRCh38, chr20:62,817,574, plus strand): 5'-GGGTCAGGCCCACGGGGGCACCTGCGCTCCTTAATGAGTTTTCTCCGTTTCAGAGAGTGG[G>T]ACTCCCCGGCCCCCCCGGCCCCCCAGGGCCGCCCGGGAAGCCCGGCCAGGACGGCATTGA-3'
Protein context (NP_001844.3, residues 19-39): LLAAAGAQRV[Gly29Val]LPGPPGPPGP